The following is an entry in ClinVar:

NM_001080.3(ALDH5A1):c.1529C>T (p.Ser510Phe)

Gene: ALDH5A1 (aldehyde dehydrogenase 5 family member A1; plus strand). Cytogenetic location: 6p22.3.
Variant type: single nucleotide variant.
Coding change: c.1529C>T on transcript NM_001080.3 (MANE Select); coding-DNA position 1529, C replaced by T.
Protein change: p.Ser510Phe; replaces serine 510 with phenylalanine.
Molecular consequence: missense variant.
Genome position (GRCh38, 1-based): chr6:24,533,633, C>T. VCF-style: chr6-24533633-C-T. GRCh37 (hg19) VCF-style: chr6-24533861-C-T.
Other names: c.1385C>T, p.Ser462Phe (NM_001368954.1); c.1568C>T, p.Ser523Phe (NM_170740.1); short protein forms S510F, S523F, S462F.
Identifiers: ClinVar variation 529488 (VCV000529488.7), dbSNP rs578023593, ClinGen allele CA3656965.

ClinVar aggregate classification (germline): Conflicting classifications of pathogenicity. Review status: criteria provided, conflicting classifications (1 of 4 stars). 3 submissions from 3 submitters: Pathogenic (1); Likely pathogenic (1); Uncertain significance (1). Last evaluated 2021-03-08.

Conditions:
Succinate-semialdehyde dehydrogenase deficiency (SSADHD). Also called: SSADH DEFICIENCY; GABA METABOLIC DEFECT; Succinic Semialdehyde Dehydrogenase Deficiency; 4-HYDROXYBUTYRIC ACIDURIA. Identifiers: Orphanet 22, MedGen C0268631, MONDO:0010083, OMIM 271980.

Allele frequency attached by ClinVar (database versions not stated): gnomAD exomes below 0.00001; ExAC 0.00001; gnomAD 0.00001; TOPMed 0.00002; 1000 Genomes Project 30x 0.00016; 1000 Genomes Project 0.00020.

Submissions (3):

Elsea Laboratory, Baylor College of Medicine
Classification: Pathogenic for Succinate-semialdehyde dehydrogenase deficiency. Last evaluated: 2021-03-08. Review status: criteria provided, single submitter. Criteria: Martin et al. (J Child Neurol. 2021). Collection method: curation. Allele origin: germline. Affected: yes.
Comment: deficient enzyme activity; NAD binding domain

Labcorp Genetics (formerly Invitae), Labcorp
Classification: Uncertain significance for Succinate-semialdehyde dehydrogenase deficiency. Last evaluated: 2017-10-12. Review status: criteria provided, single submitter. Criteria: Invitae Variant Classification Sherloc (09022015). Collection method: clinical testing. Allele origin: germline.
Comment: This sequence change replaces serine with phenylalanine at codon 510 of the ALDH5A1 protein (p.Ser510Phe). The serine residue is highly conserved and there is a large physicochemical difference between serine and phenylalanine. This variant is present in population databases (rs578023593, ExAC 0.01%). This variant has been reported in several individuals affected with succinic semialdehyde dehydrogenase deficiency (PMID: 26220405). Algorithms developed to predict the effect of missense changes on protein structure and function (SIFT, PolyPhen-2, Align-GVGD) all suggest that this variant is likely to be disruptive, but these predictions have not been confirmed by published functional studies and their clinical significance is uncertain. In summary, the available evidence is currently insufficient to determine the role of this variant in disease. Therefore, it has been classified as a Variant of Uncertain Significance.

Juno Genomics, Hangzhou Juno Genomics, Inc
Classification: Likely pathogenic for Succinate-semialdehyde dehydrogenase deficiency. Review status: criteria provided, single submitter. Criteria: ACMG Guidelines, 2015. Collection method: clinical testing. Allele origin: germline.
Comment: Absent from controls (or at extremely low frequency if recessive) in Genome Aggregation Database.;Well-established in vitro or in vivo functional studies supportive of a damaging effect on the gene or gene product.;For recessive disorders, detected in trans with a pathogenic variant.;Patient's phenotype or family history is highly specific for a disease with a single genetic etiology.

Literature cited by the submitters: PubMed 26220405 (cited by Elsea Laboratory, Baylor College of Medicine and Labcorp Genetics (formerly Invitae), Labcorp); PubMed 32402538 (cited by Elsea Laboratory, Baylor College of Medicine); PubMed 14635103 (cited by Elsea Laboratory, Baylor College of Medicine); PubMed 33203024 (cited by Elsea Laboratory, Baylor College of Medicine).